The following is an entry in ClinVar:

ClinVar aggregate classification (germline): Benign/Likely benign. Review status: criteria provided, multiple submitters, no conflicts (2 of 4 stars). 2 submissions from 2 submitters: Benign (1); Likely benign (1). Last evaluated 2024-05-20.

Conditions:
Familial cancer of breast. Also called: BREAST CANCER, FAMILIAL; Hereditary breast cancer; hereditary breast carcinoma. Identifiers: Orphanet 227535, MedGen C0346153, MONDO:0016419, OMIM 114480. Disease mechanism: loss of function.
Ataxia-telangiectasia syndrome (AT). Also called: Ataxia-telangiectasia, complementation group E; Ataxia-telangiectasia; ATAXIA-TELANGIECTASIA, COMPLEMENTATION GROUP A; Ataxia-telangiectasia, complementation group D; Ataxia telangiectasia (A-T); LOUIS-BAR SYNDROME. Identifiers: Orphanet 100, MedGen C0004135, MONDO:0008840, OMIM 208900.

Submissions (2):

Myriad Genetics, Inc.
Classification: Benign for Familial cancer of breast. Last evaluated: 2024-05-20. Review status: criteria provided, single submitter. Criteria: Myriad Autosomal Dominant, Autosomal Recessive and X-Linked Classification Criteria (2023). Collection method: clinical testing. Allele origin: unknown.
Comment: This variant is considered benign. This variant is a silent/synonymous amino acid change and it is not expected to impact splicing.

Labcorp Genetics (formerly Invitae), Labcorp
Classification: Likely benign for Ataxia-telangiectasia syndrome. Last evaluated: 2022-09-15. Review status: criteria provided, single submitter. Criteria: Invitae Variant Classification Sherloc (09022015). Collection method: clinical testing. Allele origin: germline.

NM_000051.4(ATM):c.4698T>C (p.Pro1566=)

Gene: ATM (ATM serine/threonine kinase; plus strand). Cytogenetic location: 11q22.3.
Variant type: single nucleotide variant.
Coding change: c.4698T>C on transcript NM_000051.4 (MANE Select); coding-DNA position 4698, T replaced by C.
Protein change: p.Pro1566=; no amino-acid change (proline 1566 retained).
Molecular consequence: synonymous variant.
Genome position (GRCh38, 1-based): chr11:108,293,399, T>C. VCF-style: chr11-108293399-T-C. GRCh37 (hg19) VCF-style: chr11-108164126-T-C.
Other names: c.4698T>C, p.Pro1566= (NM_001351834.2).
Identifiers: ClinVar variation 1998161 (VCV001998161.5), dbSNP rs2135812142, ClinGen allele CA476674418.